The following is an entry in ClinVar:

NM_198129.4(LAMA3):c.1860G>A (p.Leu620=)

Gene: LAMA3 (laminin subunit alpha 3; plus strand). Cytogenetic location: 18q11.2.
Variant type: single nucleotide variant.
Coding change: c.1860G>A on transcript NM_198129.4 (MANE Select); coding-DNA position 1860, G replaced by A.
Protein change: p.Leu620=; no amino-acid change (leucine 620 retained).
Molecular consequence: synonymous variant.
Genome position (GRCh38, 1-based): chr18:23,814,474, G>A. VCF-style: chr18-23814474-G-A. GRCh37 (hg19) VCF-style: chr18-21394438-G-A.
Other names: c.1860G>A, p.Leu620= (NM_001127717.4).
Identifiers: ClinVar variation 3032180 (VCV003032180.2), dbSNP rs2510940553, ClinGen allele CA503325601.

ClinVar aggregate classification (germline): Likely benign (0 of 4 stars; one submission).

Conditions:
LAMA3-related disorder. Also called: LAMA3-related disorders; LAMA3-related condition.

Submission:

PreventionGenetics, part of Exact Sciences
Classification: Likely benign for LAMA3-related condition. Last evaluated: 2023-10-08. Review status: no assertion criteria provided. Collection method: clinical testing. Allele origin: germline.
Comment: This variant is classified as likely benign based on ACMG/AMP sequence variant interpretation guidelines (Richards et al. 2015 PMID: 25741868, with internal and published modifications).